The following is an entry in ClinVar:

ClinVar aggregate classification (germline): Conflicting classifications of pathogenicity. Review status: criteria provided, conflicting classifications (1 of 4 stars). 2 submissions from 2 submitters: Uncertain significance (1); Likely benign (1). Last evaluated 2022-07-17.

Conditions:
Brugada syndrome. Also called: Sudden Unexplained Death Syndrome; Sudden Unexplained Nocturnal Death Syndrome (SUNDS); Sudden unexpected nocturnal death syndrome; Sudden unexplained nocturnal death syndrome. Identifiers: Orphanet 130, MedGen C1142166, MONDO:0015263.
Cardiovascular phenotype. Identifiers: MedGen CN230736.

Allele frequency attached by ClinVar (database versions not stated): gnomAD exomes below 0.00001 and 0.00001; ExAC 0.00002.
gnomAD v4.1: 4 of 1,614,102 alleles (0.00025%); highest among the groups gnomAD compares: African/African-American, 0.0027%; no homozygotes.

Submissions (2):

Ambry Genetics
Classification: Likely benign for Cardiovascular phenotype. Last evaluated: 2022-07-17. Review status: criteria provided, single submitter. Criteria: Ambry Variant Classification Scheme 2023. Collection method: clinical testing. Allele origin: germline.

Labcorp Genetics (formerly Invitae), Labcorp
Classification: Uncertain significance for Brugada syndrome. Last evaluated: 2021-09-01. Review status: criteria provided, single submitter. Criteria: Invitae Variant Classification Sherloc (09022015). Collection method: clinical testing. Allele origin: germline.
Comment: This sequence change replaces methionine with valine at codon 78 of the GPD1L protein (p.Met78Val). The methionine residue is weakly conserved and there is a small physicochemical difference between methionine and valine. This variant is present in population databases (rs762018216, ExAC 0.003%). This variant has not been reported in the literature in individuals affected with GPD1L-related conditions. Algorithms developed to predict the effect of missense changes on protein structure and function output the following: SIFT: "Tolerated"; PolyPhen-2: "Benign"; Align-GVGD: "Class C0". The valine amino acid residue is found in multiple mammalian species, which suggests that this missense change does not adversely affect protein function. In summary, the available evidence is currently insufficient to determine the role of this variant in disease. Therefore, it has been classified as a Variant of Uncertain Significance.

NM_015141.4(GPD1L):c.232A>G (p.Met78Val)

Gene: GPD1L (glycerol-3-phosphate dehydrogenase 1 like; plus strand). Cytogenetic location: 3p22.3.
Variant type: single nucleotide variant.
Coding change: c.232A>G on transcript NM_015141.4 (MANE Select); coding-DNA position 232, A replaced by G.
Protein change: p.Met78Val; replaces methionine 78 with valine.
Molecular consequence: missense variant.
Genome position (GRCh38, 1-based): chr3:32,138,593, A>G. VCF-style: chr3-32138593-A-G. GRCh37 (hg19) VCF-style: chr3-32180085-A-G.
Other names: short protein forms M78V.
Identifiers: ClinVar variation 1059755 (VCV001059755.4), dbSNP rs762018216, ClinGen allele CA2296588.
Genomic context (GRCh38, chr3:32,138,593, plus strand): 5'-CAGGCAAGGTTTGATATAAGAGGAGAAACGGTCTTCTCTGCCTTTTGGTTGCAGGTTGCC[A>G]TGTCAAATCTTAGCGAGGCTGTGCAGGATGCAGACCTGCTGGTGTTTGTCATTCCCCACC-3'
Protein context (NP_055956.1, residues 68-88): GHKLPENVVA[Met78Val]SNLSEAVQDA